The following is an entry in ClinVar:

NM_001201550.3(CFHR4):c.691C>G (p.Leu231Val)

Gene: CFHR4 (complement factor H related 4; plus strand). Cytogenetic location: 1q31.3.
Variant type: single nucleotide variant.
Coding change: c.691C>G on transcript NM_001201550.3 (MANE Select); coding-DNA position 691, C replaced by G.
Protein change: p.Leu231Val; replaces leucine 231 with valine.
Molecular consequence: missense variant. On other transcripts: intron variant (1).
Genome position (GRCh38, 1-based): chr1:196,907,390, C>G. VCF-style: chr1-196907390-C-G. GRCh37 (hg19) VCF-style: chr1-196876520-C-G.
Other names: p.Leu230Val; c.688C>G, p.Leu230Val (NM_001201551.2); c.256+4775C>G (NM_006684.5); short protein forms L230V, L231V.
Identifiers: ClinVar variation 4683979 (VCV004683979.1).

ClinVar aggregate classification (germline): Likely benign (1 of 4 stars; one submission).

gnomAD v4.1: 13 of 1,611,750 alleles (0.00081%); highest among the groups gnomAD compares: African/African-American, 0.015%; 1 homozygote.

Submission:

Mayo Clinic Laboratories, Mayo Clinic
Classification: Likely benign. Last evaluated: 2025-10-17. Review status: criteria provided, single submitter. Criteria: ACMG Guidelines, 2015. Collection method: clinical testing. Allele origin: germline. Observed: 1 variant allele.
Comment: BP1, BP4_moderate